The following is an entry in ClinVar:

ClinVar aggregate classification (germline): Uncertain significance (1 of 4 stars; one submission).

gnomAD v4.1: 8 of 1,579,254 alleles (0.00051%); highest among the groups gnomAD compares: Non-Finnish European, 0.0006%; no homozygotes.

Submission:

Labcorp Genetics (formerly Invitae), Labcorp
Classification: Uncertain significance. Last evaluated: 2025-02-17. Review status: criteria provided, single submitter. Criteria: Invitae Variant Classification Sherloc (09022015). Collection method: clinical testing. Allele origin: germline.
Comment: This sequence change replaces glutamine, which is neutral and polar, with lysine, which is basic and polar, at codon 1058 of the DNA2 protein (p.Gln1058Lys). The frequency data for this variant in the population databases is considered unreliable, as metrics indicate poor data quality at this position in the gnomAD database. This variant has not been reported in the literature in individuals affected with DNA2-related conditions. An algorithm developed to predict the effect of missense changes on protein structure and function (PolyPhen-2) suggests that this variant is likely to be tolerated. In summary, the available evidence is currently insufficient to determine the role of this variant in disease. Therefore, it has been classified as a Variant of Uncertain Significance.

NM_001080449.3(DNA2):c.3172C>A (p.Gln1058Lys)

Genes: DNA2 (DNA replication helicase/nuclease 2; minus strand), LOC132089842 (Neanderthal introgressed variant-containing enhancer experimental_16635; plus strand). Cytogenetic location: 10q21.3.
Variant type: single nucleotide variant.
Coding change: c.3172C>A on transcript NM_001080449.3 (MANE Select); coding-DNA position 3172, C replaced by A.
Protein change: p.Gln1058Lys; replaces glutamine 1058 with lysine.
Molecular consequence: missense variant. On other transcripts: non-coding transcript variant (1).
Genome position (GRCh38, 1-based): chr10:68,415,050, G>T on the plus strand (C>A on the coding strand, the complement: DNA2 is on the minus strand). VCF-style: chr10-68415050-G-T. GRCh37 (hg19) VCF-style: chr10-70174807-G-T.
Other names: short protein forms Q1058K.
Identifiers: ClinVar variation 4693103 (VCV004693103.1).
Genomic context (GRCh38, chr10:68,415,050, plus strand): 5'-AGCTAGAGGAGATACTGCCCTAGTATGAAAAGGCAAGGGAAATAGTGTTTTATTCTCTTT[G>T]AAAGTCACCCAATATGTGGCAAAGACTTTCATGTTCTCTTGATGGAAGATCAATGATGTA-3'
Protein context (NP_001073918.2, residues 1048-1060): ESLCHILGDF[Gln1058Lys]RE